The following is an entry in ClinVar:

ClinVar aggregate classification (germline): Benign/Likely benign. Review status: criteria provided, multiple submitters, no conflicts (2 of 4 stars). 4 submissions from 4 submitters: Benign (3); Likely benign (1). Last evaluated 2026-01-24.

Conditions:
MHC class II deficiency. Also called: Bare lymphocyte syndrome 2; BLS, TYPE II. Identifiers: Orphanet 572, MedGen C5447452, MONDO:0008855.

Allele frequency attached by ClinVar (database versions not stated): gnomAD 0.00031 and 0.00054; ExAC 0.00098; gnomAD exomes 0.00102; TOPMed 0.00125; 1000 Genomes Project 0.00200; 1000 Genomes Project 30x 0.00219.

Submissions (4):

Labcorp Genetics (formerly Invitae), Labcorp
Classification: Benign for MHC class II deficiency. Last evaluated: 2026-01-24. Review status: criteria provided, single submitter. Criteria: Invitae Variant Classification Sherloc (09022015). Collection method: clinical testing. Allele origin: germline.

Blueprint Genetics
Classification: Likely benign. Last evaluated: 2024-08-13. Review status: criteria provided, single submitter. Criteria: ACMG Guidelines, 2015. Collection method: clinical testing. Allele origin: germline.

Genome-Nilou Lab
Classification: Benign for MHC class II deficiency 1. Last evaluated: 2023-04-11. Review status: criteria provided, single submitter. Criteria: ACMG Guidelines, 2015. Collection method: clinical testing. Allele origin: germline. Affected: no.

Illumina Laboratory Services, Illumina
Classification: Benign for MHC class II deficiency 1. Last evaluated: 2018-01-12. Review status: criteria provided, single submitter. Criteria: ICSL Variant Classification Criteria 13 December 2019. Collection method: clinical testing. Allele origin: germline.
Comment: This variant was observed in the ICSL laboratory as part of a predisposition screen in an ostensibly healthy population. It had not been previously curated by ICSL or reported in the Human Gene Mutation Database (HGMD: prior to June 1st, 2018), and was therefore a candidate for classification through an automated scoring system. Utilizing variant allele frequency, disease prevalence and penetrance estimates, and inheritance mode, an automated score was calculated to assess if this variant is too frequent to cause the disease. Based on the score and internal cut-off values, a variant classified as benign is not then subjected to further curation. The score for this variant resulted in a classification of benign for this disease.

NM_001025603.2(RFX5):c.982C>A (p.Arg328=)

Gene: RFX5 (regulatory factor X5; minus strand). Cytogenetic location: 1q21.3.
Variant type: single nucleotide variant.
Coding change: c.982C>A on transcript NM_001025603.2 (MANE Select); coding-DNA position 982, C replaced by A.
Protein change: p.Arg328=; no amino-acid change (arginine 328 retained).
Molecular consequence: synonymous variant.
Genome position (GRCh38, 1-based): chr1:151,343,055, G>T on the plus strand (C>A on the coding strand, the complement: RFX5 is on the minus strand). VCF-style: chr1-151343055-G-T. GRCh37 (hg19) VCF-style: chr1-151315531-G-T.
Other names: c.982C>A, p.Arg328= (NM_000449.4, NM_001379412.1, NM_001379413.1 and 5 more transcripts); c.862C>A, p.Arg288= (NM_001379419.1, NM_001379420.1).
Identifiers: ClinVar variation 292614 (VCV000292614.17), dbSNP rs78854744, ClinGen allele CA1089693.